The following is an entry in ClinVar:

ClinVar aggregate classification (germline): Conflicting classifications of pathogenicity. Review status: criteria provided, conflicting classifications (1 of 4 stars). 11 submissions from 11 submitters: Uncertain significance (1); Benign (1); Likely benign (7). 2 of the submissions do not count toward it. Last evaluated 2026-06-30.

Conditions:
Alport syndrome. Also called: Hemorrhagic familial nephritis; Hemorrhagic hereditary nephritis; Congenital hereditary hematuria. Identifiers: Orphanet 63, MedGen C1567741, MONDO:0018965.

Allele frequency attached by ClinVar (database versions not stated): ESP Exome Variant Server 0.00042; gnomAD 0.00076 and 0.00082; TOPMed 0.00120; 1000 Genomes Project 0.00140; 1000 Genomes Project 30x 0.00172.
gnomAD v4.1: 1,175 of 1,613,952 alleles (0.073%); highest among the groups gnomAD compares: Middle Eastern, 0.58%; 6 homozygotes.

Submissions (11):

Women's Health and Genetics/Laboratory Corporation of America, LabCorp
Classification: Benign. Last evaluated: 2026-06-30. Review status: criteria provided, single submitter. Criteria: LabCorp Variant Classification Summary - May 2015. Collection method: clinical testing. Allele origin: germline.
Comment: Variant summary: COL4A4 c.195T>C (p.Gly65Gly) alters a conserved nucleotide located close to a canonical splice site and therefore could affect mRNA splicing, leading to a significantly altered protein sequence. Consensus agreement among computation tools predict no significant impact on normal splicing. However, these predictions have yet to be confirmed by functional studies. The variant allele was found at a frequency of 0.00078 in 245866 control chromosomes, predominantly at a frequency of 0.0019 within the Latino subpopulation in the gnomAD database. The observed variant frequency within Latino control individuals in the gnomAD database exceeds the estimated maximal expected allele frequency for disease-causing variants in COL4A4. c.195T>C has been observed in individual(s) affected with COL4A4-related conditions (Papazachariou_2014). These report(s) do not provide unequivocal conclusions about association of the variant with disease. To our knowledge, no experimental evidence demonstrating an impact on protein function has been reported. The following publication has been ascertained in the context of this evaluation (PMID: 25514610). ClinVar contains an entry for this variant (Variation ID: 255017). Based on the evidence outlined above, the variant was classified as benign.

Labcorp Genetics (formerly Invitae), Labcorp
Classification: Likely benign. Last evaluated: 2026-01-27. Review status: criteria provided, single submitter. Criteria: Invitae Variant Classification Sherloc (09022015). Collection method: clinical testing. Allele origin: germline.

Blueprint Genetics
Classification: Likely benign. Last evaluated: 2024-11-20. Review status: criteria provided, single submitter. Criteria: ACMG Guidelines, 2015. Collection method: clinical testing. Allele origin: germline.

CeGaT Center for Human Genetics Tuebingen
Classification: Likely benign. Last evaluated: 2023-12-01. Review status: criteria provided, single submitter. Criteria: CeGaT Center For Human Genetics Tuebingen Variant Classification Criteria Version 2. Collection method: clinical testing. Allele origin: germline. Affected: yes. Observed: 2 variant alleles.
Comment: COL4A4: BP4, BP7

GeneDx
Classification: Likely benign. Last evaluated: 2020-04-07. Review status: criteria provided, single submitter. Criteria: GeneDx Variant Classification Process June 2021. Collection method: clinical testing. Allele origin: germline. Affected: yes.
Comment: This variant is associated with the following publications: (PMID: 17216251, 14582039)

Athena Diagnostics
Classification: Likely benign. Last evaluated: 2019-08-05. Review status: criteria provided, single submitter. Criteria: Athena Diagnostics Criteria. Collection method: clinical testing. Allele origin: germline.

Eurofins Ntd Llc (ga)
Classification: Uncertain significance. Last evaluated: 2018-09-04. Review status: criteria provided, single submitter. Criteria: EGL ClinVar v180209 classification definitions. Collection method: clinical testing. Allele origin: germline. Observed: 1 variant allele, 1 heterozygote.

Illumina Laboratory Services, Illumina
Classification: Likely benign for Alport syndrome. Last evaluated: 2017-04-28. Review status: criteria provided, single submitter. Criteria: ICSL Variant Classification Criteria 13 December 2019. Collection method: clinical testing. Allele origin: germline.
Comment: This variant was observed as part of a predisposition screen in an ostensibly healthy population. A literature search was performed for the gene, cDNA change, and amino acid change (where applicable). No publications were found based on this search. Allele frequency data from public databases allowed determination this variant is unlikely to cause disease. Therefore, this variant is classified as likely benign.

PreventionGenetics, part of Exact Sciences
Classification: Likely benign. Review status: criteria provided, single submitter. Criteria: ACMG Guidelines, 2015. Collection method: clinical testing. Allele origin: germline.

Genome Diagnostics Laboratory, University Medical Center Utrecht
Classification: Likely benign. Review status: no assertion criteria provided. Collection method: clinical testing. Allele origin: germline. Affected: yes. Study: VKGL Data-share Consensus. Not counted in ClinVar's aggregate classification.

Joint Genome Diagnostic Labs from Nijmegen and Maastricht, Radboudumc and MUMC+
Classification: Likely benign. Review status: no assertion criteria provided. Collection method: clinical testing. Allele origin: germline. Affected: yes. Study: VKGL Data-share Consensus. Not counted in ClinVar's aggregate classification.

Literature cited by the submitters: PubMed 25514610 (cited by Women's Health and Genetics/Laboratory Corporation of America, LabCorp and Athena Diagnostics); PubMed 14582039 (cited by Athena Diagnostics); PubMed 15880327 (cited by Athena Diagnostics).

NM_000092.5(COL4A4):c.195T>C (p.Gly65=)

Gene: COL4A4 (collagen type IV alpha 4 chain; minus strand). Cytogenetic location: 2q36.3.
Variant type: single nucleotide variant.
Coding change: c.195T>C on transcript NM_000092.5 (MANE Select); coding-DNA position 195, T replaced by C.
Protein change: p.Gly65=; no amino-acid change (glycine 65 retained).
Molecular consequence: synonymous variant.
Genome position (GRCh38, 1-based): chr2:227,121,146, A>G on the plus strand (T>C on the coding strand, the complement: COL4A4 is on the minus strand). VCF-style: chr2-227121146-A-G. GRCh37 (hg19) VCF-style: chr2-227985862-A-G.
Identifiers: ClinVar variation 255017 (VCV000255017.51), dbSNP rs201278620, ClinGen allele CA2145747.
Genomic context (GRCh38, chr2:227,121,146, plus strand): 5'-AATGGGTCCTGGGGCTCCCAGGGGTCCAATTGGACCCTGTGGCCCTGGTGGTCCTGGTGG[A>G]CCCTGAGAAGGAAGATTAAAAAGAAATGGGGGTGCAATTCTTAATTACTGTCTTCTAACA-3'
Protein context (NP_000083.3, residues 55-75): CHCVPEKGSR[Gly65=]PPGPPGPQGP